The following is an entry in ClinVar:

ClinVar aggregate classification (germline): Uncertain significance (1 of 4 stars; one submission).

Conditions:
Cardiovascular phenotype. Identifiers: MedGen CN230736.

Allele frequency attached by ClinVar (database versions not stated): TOPMed below 0.00001; gnomAD 0.00001.

Submission:

Ambry Genetics
Classification: Uncertain significance for Cardiovascular phenotype. Last evaluated: 2022-04-03. Review status: criteria provided, single submitter. Criteria: Ambry Variant Classification Scheme 2023. Collection method: clinical testing. Allele origin: germline.
Comment: The p.G11D variant (also known as c.32G>A), located in coding exon 1 of the PKP2 gene, results from a G to A substitution at nucleotide position 32. The glycine at codon 11 is replaced by aspartic acid, an amino acid with similar properties. This amino acid position is conserved. In addition, the in silico prediction for this alteration is inconclusive. Since supporting evidence is limited at this time, the clinical significance of this alteration remains unclear.

NM_001005242.3(PKP2):c.32G>A (p.Gly11Asp)

Gene: PKP2 (plakophilin 2; minus strand). Cytogenetic location: 12p11.21.
Variant type: single nucleotide variant.
Coding change: c.32G>A on transcript NM_001005242.3 (MANE Select); coding-DNA position 32, G replaced by A.
Protein change: p.Gly11Asp; replaces glycine 11 with aspartic acid.
Molecular consequence: missense variant.
Genome position (GRCh38, 1-based): chr12:32,896,700, C>T on the plus strand (G>A on the coding strand, the complement: PKP2 is on the minus strand). VCF-style: chr12-32896700-C-T. GRCh37 (hg19) VCF-style: chr12-33049634-C-T.
Other names: c.32G>A, p.Gly11Asp (NM_001407155.1, NM_001407156.1, NM_001407157.1 and 2 more transcripts); c.-795G>A (NM_001407158.1, NM_001407162.1); c.-559G>A (NM_001407159.1, NM_001407160.1); short protein forms G11D.
Identifiers: ClinVar variation 1729955 (VCV001729955.2), dbSNP rs1359957288, ClinGen allele CA384371723.